The following is an entry in ClinVar:

ClinVar aggregate classification (germline): Uncertain significance. Review status: criteria provided, single submitter (1 of 4 stars). 2 submissions from 2 submitters: Uncertain significance (1). 1 of the submissions does not count toward it. Last evaluated 2025-09-26.

Conditions:
Complement factor b deficiency. Identifiers: MedGen C3809950, MONDO:0014255, OMIM 615561.
Atypical hemolytic-uremic syndrome. Identifiers: Orphanet 2134, MedGen C2931788, MONDO:0016244.

Submissions (2):

Genomenon, Inc
Classification: Uncertain significance for Atypical hemolytic-uremic syndrome. Last evaluated: 2025-09-26. Review status: criteria provided, single submitter. Criteria: Genomenon Sequence Variant Interpretation Standards - Updated. Collection method: curation. Allele origin: germline. Affected: no.
Comment: CFB p.Phe632CysfsTer8 (c.1895_1898del) is a frameshift variant that results in the production of a truncated protein. This variant has been reported in the published literature (PMID:32067109). It is absent or not present at a significant frequency in gnomAD. In conclusion, we classify CFB p.Phe632CysfsTer8 (c.1895_1898del) as a variant of uncertain significance.

OMIM
Classification: Pathogenic for COMPLEMENT FACTOR B DEFICIENCY. Last evaluated: 2013-10-24. Review status: no assertion criteria provided. Collection method: literature only. Allele origin: germline. Not counted in ClinVar's aggregate classification.

Literature cited by the submitters: PubMed 32067109 (cited by Genomenon, Inc); PubMed 24152280 (cited by OMIM).

NM_001710.6(CFB):c.1895_1898del (p.Phe632fs)

Gene: CFB (complement factor B; plus strand). Cytogenetic location: 6p21.33.
Variant type: Deletion.
Coding change: c.1895_1898del on transcript NM_001710.6 (MANE Select); coding-DNA positions 1895 to 1898, 4 bases deleted (TTGT; older notation c.1895_1898delTTGT).
Protein change: p.Phe632fs; shifts the reading frame from phenylalanine 632.
Molecular consequence: frameshift variant.
Genome position (GRCh38, 1-based): chr6:31,951,183-31,951,186, TTGT deleted; deleting any 4 consecutive bases within chr6:31,951,180-31,951,186 gives the same sequence; the c. name uses the placement nearest the transcript's 3' end. VCF-style (leftmost placement, unchanged base first): chr6-31951179-CTGTT-C. GRCh37 (hg19) VCF-style: chr6-31918956-CTGTT-C.
Other names: short protein forms F632fs.
Identifiers: ClinVar variation 92247 (VCV000092247.6), dbSNP rs398124644, ClinGen allele CA145586.